The following is an entry in ClinVar:

ClinVar aggregate classification (germline): Uncertain significance. Review status: criteria provided, multiple submitters, no conflicts (2 of 4 stars). 2 submissions from 2 submitters: Uncertain significance (2). Last evaluated 2026-01-12.

Conditions:
Inborn genetic diseases. Identifiers: MedGen C0950123, MeSH D030342.
Muscular dystrophy-dystroglycanopathy (congenital with brain and eye anomalies), type a, 11 (MDDGA11). Also called: Congenital muscular dystrophy-dystroglycanopathy with brain and eye anomalies, type A11; WALKER-WARBURG SYNDROME OR MUSCLE-EYE-BRAIN DISEASE, B3GALNT2-RELATED; Muscular dystrophy-dystroglycanopathy (congenital with brain and eye anomalies, type A, 11. Identifiers: Orphanet 588, Orphanet 899, MedGen C3554638, MONDO:0014071, OMIM 615181.

Allele frequency attached by ClinVar (database versions not stated): ExAC 0.00002; gnomAD exomes 0.00007; TOPMed 0.00015; gnomAD 0.00018 and 0.00019.
gnomAD v4.1: 86 of 1,614,004 alleles (0.0053%); highest among the groups gnomAD compares: Admixed American, 0.062%; no homozygotes.

Submissions (2):

Labcorp Genetics (formerly Invitae), Labcorp
Classification: Uncertain significance for Muscular dystrophy-dystroglycanopathy (congenital with brain and eye anomalies), type a, 11. Last evaluated: 2026-01-12. Review status: criteria provided, single submitter. Criteria: Invitae Variant Classification Sherloc (09022015). Collection method: clinical testing. Allele origin: germline.
Comment: This sequence change replaces glycine, which is neutral and non-polar, with serine, which is neutral and polar, at codon 492 of the B3GALNT2 protein (p.Gly492Ser). This variant is present in population databases (rs772910525, gnomAD 0.03%). This variant has not been reported in the literature in individuals affected with B3GALNT2-related conditions. ClinVar contains an entry for this variant (Variation ID: 651777). Invitae Evidence Modeling of protein sequence and biophysical properties (such as structural, functional, and spatial information, amino acid conservation, physicochemical variation, residue mobility, and thermodynamic stability) indicates that this missense variant is not expected to disrupt B3GALNT2 protein function with a negative predictive value of 80%. In summary, the available evidence is currently insufficient to determine the role of this variant in disease. Therefore, it has been classified as a Variant of Uncertain Significance.

Ambry Genetics
Classification: Uncertain significance for Inborn genetic diseases. Last evaluated: 2023-08-04. Review status: criteria provided, single submitter. Criteria: Ambry Variant Classification Scheme 2023. Collection method: clinical testing. Allele origin: germline.

NM_152490.5(B3GALNT2):c.1474G>A (p.Gly492Ser)

Genes: TBCE (tubulin folding cofactor E; plus strand), B3GALNT2 (beta-1,3-N-acetylgalactosaminyltransferase 2; minus strand). Cytogenetic location: 1q42.3.
Variant type: single nucleotide variant.
Coding change: c.1474G>A on transcript NM_152490.5 (MANE Select); coding-DNA position 1474, G replaced by A.
Protein change: p.Gly492Ser; replaces glycine 492 with serine.
Molecular consequence: missense variant. On other transcripts: 3 prime UTR variant (4).
Genome position (GRCh38, 1-based): chr1:235,450,235, C>T on the plus strand (G>A on the coding strand, the complement: B3GALNT2 is on the minus strand). VCF-style: chr1-235450235-C-T. GRCh37 (hg19) VCF-style: chr1-235613550-C-T.
Other names: c.*1473C>T (NM_001079515.3, NM_001287801.2, NM_001287802.2 and 1 more transcripts); short protein forms G492S.
Identifiers: ClinVar variation 651777 (VCV000651777.7), dbSNP rs772910525, ClinGen allele CA1464575.